The following is an entry in ClinVar:

ClinVar aggregate classification (germline): Likely pathogenic (1 of 4 stars; one submission).

Conditions:
Finnish congenital nephrotic syndrome (NPHS1). Also called: NEPHROTIC SYNDROME, TYPE 1. Identifiers: Orphanet 839, MedGen C0403399, MONDO:0009732, OMIM 256300.

Submission:

Myriad Genetics, Inc.
Classification: Likely pathogenic for Finnish congenital nephrotic syndrome. Last evaluated: 2025-04-17. Review status: criteria provided, single submitter. Criteria: Myriad Autosomal Dominant, Autosomal Recessive and X-Linked Classification Criteria (2023). Collection method: clinical testing. Allele origin: unknown.
Comment: NM_004646.3(NPHS1):c.3595-6_3595-1del6ins2 is a variant in a canonical splice site classified as likely pathogenic in the context of nephrotic syndrome, NPHS1-related. c.3595-6_3595-1del6ins2 has not been observed in cases with relevant disease. Relevant functional assessments of this variant are not available in the literature. c.3595-6_3595-1del6ins2 has not been observed in referenced population frequency databases. In summary, NM_004646.3(NPHS1):c.3595-6_3595-1del6ins2 is a variant in a canonical splice site in a gene where loss of function is a known mechanism of disease and is predicted to disrupt protein function. Please note: this variant was assessed in the context of healthy population screening.

NM_004646.4(NPHS1):c.3595-6_3595-1delinsCA

Gene: NPHS1 (NPHS1 adhesion molecule, nephrin; minus strand). Cytogenetic location: 19q13.12.
Variant type: Indel.
Coding change: c.3595-6_3595-1delinsCA on transcript NM_004646.4 (MANE Select); 6 bases into the intron before coding-DNA position 3595 through the canonical splice acceptor site of the intron before coding-DNA position 3595, TGTCAG replaced by CA.
Molecular consequence: splice acceptor variant.
Genome position (GRCh38, 1-based): chr19:35,826,646-35,826,651, CTGACA replaced by TG on the plus strand (TGTCAG replaced by CA on the coding strand, the reverse complement: NPHS1 is on the minus strand). VCF-style: chr19-35826646-CTGACA-TG. GRCh37 (hg19) VCF-style: chr19-36317548-CTGACA-TG.
Identifiers: ClinVar variation 4081755 (VCV004081755.1).